The following is an entry in ClinVar:

ClinVar aggregate classification (germline): Conflicting classifications of pathogenicity. Review status: criteria provided, conflicting classifications (1 of 4 stars). 3 submissions from 3 submitters: Uncertain significance (2); Likely benign (1). Last evaluated 2025-12-10.

Conditions:
Hereditary cancer-predisposing syndrome. Also called: Hereditary Cancer Syndrome; Hereditary neoplastic syndrome; Neoplastic Syndromes, Hereditary; Tumor predisposition. Identifiers: Orphanet 140162, MedGen C0027672, MeSH D009386, MONDO:0015356.

Allele frequency attached by ClinVar (database versions not stated): gnomAD exomes below 0.00001 and 0.00002; TOPMed 0.00001; gnomAD 0.00002.

Submissions (3):

Labcorp Genetics (formerly Invitae), Labcorp
Classification: Uncertain significance. Last evaluated: 2025-12-10. Review status: criteria provided, single submitter. Criteria: Invitae Variant Classification Sherloc (09022015). Collection method: clinical testing. Allele origin: germline.
Comment: This sequence change replaces proline, which is neutral and non-polar, with serine, which is neutral and polar, at codon 135 of the POLE protein (p.Pro135Ser). This variant is present in population databases (no rsID available, gnomAD 0.0009%). This variant has not been reported in the literature in individuals affected with POLE-related conditions. ClinVar contains an entry for this variant (Variation ID: 405709). Invitae Evidence Modeling of protein sequence and biophysical properties (such as structural, functional, and spatial information, amino acid conservation, physicochemical variation, residue mobility, and thermodynamic stability) indicates that this missense variant is not expected to disrupt POLE protein function with a negative predictive value of 80%. In summary, the available evidence is currently insufficient to determine the role of this variant in disease. Therefore, it has been classified as a Variant of Uncertain Significance.

Ambry Genetics
Classification: Likely benign for Hereditary cancer-predisposing syndrome. Last evaluated: 2025-05-07. Review status: criteria provided, single submitter. Criteria: Ambry Variant Classification Scheme 2023. Collection method: clinical testing. Allele origin: germline.

GeneDx
Classification: Uncertain significance. Last evaluated: 2024-02-11. Review status: criteria provided, single submitter. Criteria: GeneDx Variant Classification Process June 2021. Collection method: clinical testing. Allele origin: germline. Affected: yes.
Comment: Not observed at significant frequency in large population cohorts (gnomAD); In silico analysis supports that this missense variant does not alter protein structure/function; Has not been previously published as pathogenic or benign to our knowledge

NM_006231.4(POLE):c.403C>T (p.Pro135Ser)

Gene: POLE (DNA polymerase epsilon, catalytic subunit; minus strand). Cytogenetic location: 12q24.33.
Variant type: single nucleotide variant.
Coding change: c.403C>T on transcript NM_006231.4 (MANE Select); coding-DNA position 403, C replaced by T.
Protein change: p.Pro135Ser; replaces proline 135 with serine.
Molecular consequence: missense variant.
Genome position (GRCh38, 1-based): chr12:132,679,974, G>A on the plus strand (C>T on the coding strand, the complement: POLE is on the minus strand). VCF-style: chr12-132679974-G-A. GRCh37 (hg19) VCF-style: chr12-133256560-G-A.
Other names: c.403C>T (NM_006231.2); short protein forms P135S.
Identifiers: ClinVar variation 405709 (VCV000405709.14), dbSNP rs1060500817, ClinGen allele CA16613742.
Genomic context (GRCh38, chr12:132,679,974, plus strand): 5'-CTGGCCTCATTTACCCCTGGAAAGTCTGGGTGATACTCACCAAGTCCAGATCCTCTTTGG[G>A]GACAGTCTCCACTTTTGCAATTTTGCCCTGAAACTTCTTGGAGAGAAAAGATGAAACTTC-3'
Protein context (NP_006222.2, residues 125-145): QGKIAKVETV[Pro135Ser]KEDLDLPNHL